The following is an entry in ClinVar:

NM_144670.6(A2ML1):c.1154G>A (p.Gly385Glu)

Gene: A2ML1 (alpha-2-macroglobulin like 1; plus strand). Cytogenetic location: 12p13.31.
Variant type: single nucleotide variant.
Coding change: c.1154G>A on transcript NM_144670.6 (MANE Select); coding-DNA position 1154, G replaced by A.
Protein change: p.Gly385Glu; replaces glycine 385 with glutamic acid.
Molecular consequence: missense variant.
Genome position (GRCh38, 1-based): chr12:8,841,442, G>A. VCF-style: chr12-8841442-G-A. GRCh37 (hg19) VCF-style: chr12-8994038-G-A.
Other names: short protein forms G385E.
Identifiers: ClinVar variation 1716911 (VCV001716911.5), dbSNP rs866399982, ClinGen allele CA232675414.

ClinVar aggregate classification (germline): Uncertain significance (1 of 4 stars; one submission).

Submission:

Labcorp Genetics (formerly Invitae), Labcorp
Classification: Uncertain significance. Last evaluated: 2022-08-19. Review status: criteria provided, single submitter. Criteria: Invitae Variant Classification Sherloc (09022015). Collection method: clinical testing. Allele origin: germline.
Comment: This sequence change replaces glycine, which is neutral and non-polar, with glutamic acid, which is acidic and polar, at codon 385 of the A2ML1 protein (p.Gly385Glu). This variant is not present in population databases (gnomAD no frequency). This variant has not been reported in the literature in individuals affected with A2ML1-related conditions. In summary, the available evidence is currently insufficient to determine the role of this variant in disease. Therefore, it has been classified as a Variant of Uncertain Significance. Algorithms developed to predict the effect of missense changes on protein structure and function output the following: SIFT: "Tolerated"; PolyPhen-2: "Benign"; Align-GVGD: "Class C0". The glutamic acid amino acid residue is found in multiple mammalian species, which suggests that this missense change does not adversely affect protein function.